The following is an entry in ClinVar:

NM_000540.3(RYR1):c.1220A>G (p.Asn407Ser)

Gene: RYR1 (ryanodine receptor 1; plus strand). Cytogenetic location: 19q13.2.
Variant type: single nucleotide variant.
Coding change: c.1220A>G on transcript NM_000540.3 (MANE Select); coding-DNA position 1220, A replaced by G.
Protein change: p.Asn407Ser; replaces asparagine 407 with serine.
Molecular consequence: missense variant.
Genome position (GRCh38, 1-based): chr19:38,451,861, A>G. VCF-style: chr19-38451861-A-G. GRCh37 (hg19) VCF-style: chr19-38942501-A-G.
Other names: c.1220A>G, p.Asn407Ser (NM_001042723.2); short protein forms N407S.
Identifiers: ClinVar variation 3772457 (VCV003772457.14).

ClinVar aggregate classification (germline): Uncertain significance. Review status: criteria provided, multiple submitters, no conflicts (2 of 4 stars). 2 submissions from 2 submitters: Uncertain significance (2). Last evaluated 2026-07-06.

Conditions:
Inborn genetic diseases. Identifiers: MedGen C0950123, MeSH D030342.

Submissions (2):

Ambry Genetics
Classification: Uncertain significance for Inborn genetic diseases. Last evaluated: 2026-07-06. Review status: criteria provided, single submitter. Criteria: Ambry Variant Classification Scheme 2023. Collection method: clinical testing. Allele origin: germline.
Comment: The p.N407S variant (also known as c.1220A>G), located in coding exon 12 of the RYR1 gene, results from an A to G substitution at nucleotide position 1220. The asparagine at codon 407 is replaced by serine, an amino acid with highly similar properties. This amino acid position is conserved. In addition, this alteration is predicted to be tolerated by in silico analysis. Based on the available evidence, the clinical significance of this variant remains unclear.

CeGaT Center for Human Genetics Tuebingen
Classification: Uncertain significance. Last evaluated: 2025-02-01. Review status: criteria provided, single submitter. Criteria: CeGaT Center For Human Genetics Tuebingen Variant Classification Criteria Version 2. Collection method: clinical testing. Allele origin: germline. Affected: yes. Observed: 1 variant allele.
Comment: RYR1: PM2